The following is an entry in ClinVar:

NM_004329.3(BMPR1A):c.92A>G (p.His31Arg)

Gene: BMPR1A (bone morphogenetic protein receptor type 1A; plus strand). Cytogenetic location: 10q23.2.
Variant type: single nucleotide variant.
Coding change: c.92A>G on transcript NM_004329.3 (MANE Select); coding-DNA position 92, A replaced by G.
Protein change: p.His31Arg; replaces histidine 31 with arginine.
Molecular consequence: missense variant.
Genome position (GRCh38, 1-based): chr10:86,890,086, A>G. VCF-style: chr10-86890086-A-G. GRCh37 (hg19) VCF-style: chr10-88649843-A-G.
Other names: c.92A>G (NM_004329.2); short protein forms H31R.
Identifiers: ClinVar variation 1060956 (VCV001060956.12), dbSNP rs1589763313, ClinGen allele CA377446319.

ClinVar aggregate classification (germline): Uncertain significance. Review status: criteria provided, multiple submitters, no conflicts (2 of 4 stars). 4 submissions from 4 submitters: Uncertain significance (4). Last evaluated 2025-06-26.

Conditions:
Hereditary cancer-predisposing syndrome. Also called: Tumor predisposition; Neoplastic Syndromes, Hereditary; Hereditary Cancer Syndrome; Hereditary neoplastic syndrome. Identifiers: Orphanet 140162, MedGen C0027672, MeSH D009386, MONDO:0015356.
Juvenile polyposis syndrome (JPS). Identifiers: Orphanet 2929, MedGen C0345893, MONDO:0017380, OMIM 174900.

Allele frequency attached by ClinVar (database versions not stated): gnomAD exomes below 0.00001.
gnomAD v4.1: 1 of 1,613,438 alleles (0.000062%); highest among the groups gnomAD compares: Non-Finnish European, 0.000085%; no homozygotes.

Submissions (4):

Ambry Genetics
Classification: Uncertain significance for Hereditary cancer-predisposing syndrome. Last evaluated: 2025-06-26. Review status: criteria provided, single submitter. Criteria: Ambry Variant Classification Scheme 2023. Collection method: clinical testing. Allele origin: germline.
Comment: The p.H31R variant (also known as c.92A>G), located in coding exon 2 of the BMPR1A gene, results from an A to G substitution at nucleotide position 92. The histidine at codon 31 is replaced by arginine, an amino acid with highly similar properties. This amino acid position is conserved. In addition, this alteration is predicted to be tolerated by in silico analysis. Based on the available evidence, the clinical significance of this variant remains unclear.

Labcorp Genetics (formerly Invitae), Labcorp
Classification: Uncertain significance for Juvenile polyposis syndrome. Last evaluated: 2024-10-23. Review status: criteria provided, single submitter. Criteria: Invitae Variant Classification Sherloc (09022015). Collection method: clinical testing. Allele origin: germline.
Comment: This sequence change replaces histidine, which is basic and polar, with arginine, which is basic and polar, at codon 31 of the BMPR1A protein (p.His31Arg). This variant is not present in population databases (gnomAD no frequency). This variant has not been reported in the literature in individuals affected with BMPR1A-related conditions. ClinVar contains an entry for this variant (Variation ID: 1060956). Invitae Evidence Modeling of protein sequence and biophysical properties (such as structural, functional, and spatial information, amino acid conservation, physicochemical variation, residue mobility, and thermodynamic stability) indicates that this missense variant is not expected to disrupt BMPR1A protein function with a negative predictive value of 95%. In summary, the available evidence is currently insufficient to determine the role of this variant in disease. Therefore, it has been classified as a Variant of Uncertain Significance.

All of Us Research Program, National Institutes of Health
Classification: Uncertain significance for Juvenile polyposis syndrome. Last evaluated: 2024-05-14. Review status: criteria provided, single submitter. Criteria: ACMG Guidelines, 2015. Collection method: clinical testing. Allele origin: germline. Inheritance: Autosomal dominant inheritance. Observed: 1 variant allele, 1 heterozygote.
Comment: This missense variant replaces histidine with arginine at codon 31 of the BMPR1A protein. Computational prediction suggests that this variant may not impact protein structure and function (internally defined REVEL score threshold <= 0.5, PMID: 27666373). To our knowledge, functional studies have not been reported for this variant. This variant has not been reported in individuals affected with BMPR1A-related disorders in the literature. This variant has not been identified in the general population by the Genome Aggregation Database (gnomAD). The available evidence is insufficient to determine the role of this variant in disease conclusively. Therefore, this variant is classified as a Variant of Uncertain Significance.

This study involves interpretation of variants in research participants for the purpose of population health screening. Participant phenotype was not available at the time of variant classification. Additional details can be found in publication PMID: 35346344, PMCID: PMC8962531

Quest Diagnostics Nichols Institute San Juan Capistrano
Classification: Uncertain significance. Last evaluated: 2022-11-15. Review status: criteria provided, single submitter. Criteria: Quest Diagnostics criteria. Collection method: clinical testing. Allele origin: unknown.
Comment: The variant has not been reported in the published literature. It also has not been reported in large, multi-ethnic general populations. Analysis of this variant using bioinformatics tools for the prediction of the effect of amino acid changes on protein structure and function yielded predictions that this variant is benign. Based on the available information, we are unable to determine the clinical significance of this variant.